The following is an entry in ClinVar:

ClinVar aggregate classification (germline): Uncertain significance (1 of 4 stars; one submission).

gnomAD v4.1: 11 of 1,604,868 alleles (0.00069%); highest among the groups gnomAD compares: African/African-American, 0.012%; no homozygotes.

Submission:

GeneDx
Classification: Uncertain significance. Last evaluated: 2024-02-14. Review status: criteria provided, single submitter. Criteria: GeneDx Variant Classification Process June 2021. Collection method: clinical testing. Allele origin: germline. Affected: yes.
Comment: Not observed at significant frequency in large population cohorts (gnomAD); In silico analysis supports that this missense variant has a deleterious effect on protein structure/function; Has not been previously published as pathogenic or benign to our knowledge

NM_001365276.2(TNXB):c.10426T>G (p.Phe3476Val)

Gene: TNXB (tenascin XB; minus strand). Cytogenetic location: 6p21.33.
Variant type: single nucleotide variant.
Coding change: c.10426T>G on transcript NM_001365276.2 (MANE Select); coding-DNA position 10426, T replaced by G.
Protein change: p.Phe3476Val; replaces phenylalanine 3476 with valine.
Molecular consequence: missense variant.
Genome position (GRCh38, 1-based): chr6:32,046,355, A>C on the plus strand (T>G on the coding strand, the complement: TNXB is on the minus strand). VCF-style: chr6-32046355-A-C. GRCh37 (hg19) VCF-style: chr6-32014132-A-C.
Other names: c.11167T>G, p.Phe3723Val (NM_001428335.1); c.10420T>G, p.Phe3474Val (NM_019105.8); short protein forms F3474V, F3476V, F3723V.
Identifiers: ClinVar variation 3369207 (VCV003369207.1).
Genomic context (GRCh38, chr6:32,046,355, plus strand): 5'-CCACAGGCACTGCCCTGGGCTGCCCGTCCGTGTCCCTGTACTGGACCACGAAGGAGTCAA[A>C]GGGGCCCTGGGCTACCGTCCAGGACAGGCGCAGAGAGCTGGAGGTCTCCTCAGCCACGGT-3'
Protein context (NP_001352205.1, residues 3466-3486): RLSWTVAQGP[Phe3476Val]DSFVVQYRDT